The following is an entry in ClinVar:

NM_000271.5(NPC1):c.1402T>G (p.Cys468Gly)

Gene: NPC1 (NPC intracellular cholesterol transporter 1; minus strand). Cytogenetic location: 18q11.2.
Variant type: single nucleotide variant.
Coding change: c.1402T>G on transcript NM_000271.5 (MANE Select); coding-DNA position 1402, T replaced by G.
Protein change: p.Cys468Gly; replaces cysteine 468 with glycine.
Molecular consequence: missense variant.
Genome position (GRCh38, 1-based): chr18:23,554,909, A>C on the plus strand (T>G on the coding strand, the complement: NPC1 is on the minus strand). VCF-style: chr18-23554909-A-C. GRCh37 (hg19) VCF-style: chr18-21134873-A-C.
Other names: short protein forms C468G.
Identifiers: ClinVar variation 499800 (VCV000499800.9), dbSNP rs1555636685, ClinGen allele CA401776251.
Genomic context (GRCh38, chr18:23,554,909, plus strand): 5'-AGTAATTTAACACACTCAAAATGGTGCAGTTCGTGTTATACGGTGAAAGAGGGGCCAAGC[A>C]GATGTCTTGAAGTGTCACAGTCTCATTGTCATAAGAGGCAGTAATGTTTTCGATGGCTAT-3'
Protein context (NP_000262.2, residues 458-478): DNETVTLQDI[Cys468Gly]LAPLSPYNTN

ClinVar aggregate classification (germline): Conflicting classifications of pathogenicity. Review status: criteria provided, conflicting classifications (1 of 4 stars). 3 submissions from 3 submitters: Pathogenic (1); Likely pathogenic (1); Uncertain significance (1). Last evaluated 2026-08-06.

Conditions:
Niemann-Pick disease, type C1. Also called: NIEMANN-PICK DISEASE WITHOUT SPHINGOMYELINASE DEFICIENCY; NIEMANN-PICK DISEASE, CHRONIC NEURONOPATHIC FORM; NIEMANN-PICK DISEASE, VARIANT TYPE C1; NEUROVISCERAL STORAGE DISEASE WITH VERTICAL SUPRANUCLEAR OPHTHALMOPLEGIA; NIEMANN-PICK DISEASE WITH CHOLESTEROL ESTERIFICATION BLOCK. Identifiers: Orphanet 646, MedGen C3179455, MONDO:0009757, OMIM 257220.

Allele frequency attached by ClinVar (database versions not stated): gnomAD 0.00001; TOPMed below 0.00001.

Submissions (3):

OLLIN Analises Genomicas, OLLIN
Classification: Likely pathogenic for Niemann-Pick disease, type C1. Last evaluated: 2026-08-06. Review status: criteria provided, single submitter. Criteria: ACMG Guidelines 2015 PMID 25741868. Collection method: clinical testing. Allele origin: germline. Inheritance: Autosomal recessive inheritance.
Comment: This missense variant, located in exon 9 (of 25), is absent from gnomAD and has not been identified in the literature. However, it has been reported in ClinVar (accession VCV000499800.8). In silico analysis predicts that this variant has a deleterious effect. This gene is constrained for missense variation. According to the currently available evidence, this variant has been classified as likely pathogenic (PS4_P, PM2_P, PP2, PP3_S).

Labcorp Genetics (formerly Invitae), Labcorp
Classification: Pathogenic for Niemann-Pick disease, type C1. Last evaluated: 2024-10-29. Review status: criteria provided, single submitter. Criteria: Invitae Variant Classification Sherloc (09022015). Collection method: clinical testing. Allele origin: germline.
Comment: This sequence change replaces cysteine, which is neutral and slightly polar, with glycine, which is neutral and non-polar, at codon 468 of the NPC1 protein (p.Cys468Gly). This variant is not present in population databases (gnomAD no frequency). This missense change has been observed in individual(s) with biochemical features of Niemann-Pick Type C and/or Niemann-Pick type C (PMID: 25071864, 25764212; internal data). ClinVar contains an entry for this variant (Variation ID: 499800). Invitae Evidence Modeling of protein sequence and biophysical properties (such as structural, functional, and spatial information, amino acid conservation, physicochemical variation, residue mobility, and thermodynamic stability) indicates that this missense variant is expected to disrupt NPC1 protein function with a positive predictive value of 95%. For these reasons, this variant has been classified as Pathogenic.

Eurofins Ntd Llc (ga)
Classification: Uncertain significance. Last evaluated: 2017-01-26. Review status: criteria provided, single submitter. Criteria: EGL Classification Definitions 2015. Collection method: clinical testing. Allele origin: germline. Observed: 1 variant allele, 1 heterozygote.

Literature cited by the submitters: PubMed 25071864 (cited by Labcorp Genetics (formerly Invitae), Labcorp); PubMed 25764212 (cited by Labcorp Genetics (formerly Invitae), Labcorp).